The following is an entry in ClinVar:

NM_024077.5(SECISBP2):c.574+4A>C

Gene: SECISBP2 (SECIS binding protein 2; plus strand). Cytogenetic location: 9q22.2.
Variant type: single nucleotide variant.
Coding change: c.574+4A>C on transcript NM_024077.5 (MANE Select); 4 bases into the intron after coding-DNA position 574, A replaced by C.
Molecular consequence: intron variant.
Genome position (GRCh38, 1-based): chr9:89,326,042, A>C. VCF-style: chr9-89326042-A-C. GRCh37 (hg19) VCF-style: chr9-91940957-A-C.
Other names: c.-274+4A>C (NM_001354702.2); c.574+4A>C (NM_001354697.2, NM_001354696.2, NM_001354698.2); c.571+4A>C (NM_001282688.2); c.355+4A>C (NM_001282689.2); c.370+4A>C (NM_001282690.1).
Identifiers: ClinVar variation 4982665 (VCV004982665.1).

ClinVar aggregate classification (germline): Likely benign (1 of 4 stars; one submission).

Conditions:
SECISBP2-related disorder. Also called: SECISBP2-related condition.

gnomAD v4.1: 4 of 1,611,602 alleles (0.00025%); highest among the groups gnomAD compares: Admixed American, 0.0067%; no homozygotes.

Submission:

PreventionGenetics, part of Exact Sciences
Classification: Likely benign for SECISBP2-related condition. Last evaluated: 2025-08-05. Review status: criteria provided, single submitter. Criteria: ACMG Guidelines, 2015. Collection method: clinical testing. Allele origin: germline.
Comment: This variant is classified as likely benign based on ACMG/AMP sequence variant interpretation guidelines (Richards et al. 2015 PMID: 25741868, with internal and published modifications).